The following is an entry in ClinVar:

NM_000388.4(CASR):c.1058A>G (p.Glu353Gly)

Gene: CASR (calcium sensing receptor; plus strand). Cytogenetic location: 3q21.1.
Variant type: single nucleotide variant.
Coding change: c.1058A>G on transcript NM_000388.4 (MANE Select); coding-DNA position 1058, A replaced by G.
Protein change: p.Glu353Gly; replaces glutamic acid 353 with glycine.
Molecular consequence: missense variant.
Genome position (GRCh38, 1-based): chr3:122,262,093, A>G. VCF-style: chr3-122262093-A-G. GRCh37 (hg19) VCF-style: chr3-121980940-A-G.
Other names: c.1058A>G, p.Glu353Gly (NM_001178065.2); short protein forms E353G.
Identifiers: ClinVar variation 3231485 (VCV003231485.1), dbSNP rs193922419, ClinGen allele CA354152443.

ClinVar aggregate classification (germline): Uncertain significance (1 of 4 stars; one submission).

Conditions:
Nephrolithiasis/nephrocalcinosis. Identifiers: MedGen CN580796.

Submission:

Ambry Genetics
Classification: Uncertain significance for Nephrolithiasis/nephrocalcinosis. Last evaluated: 2023-07-24. Review status: criteria provided, single submitter. Criteria: Ambry Variant Classification Scheme 2023. Collection method: clinical testing. Allele origin: germline.
Comment: The p.E353G variant (also known as c.1058A>G), located in coding exon 3 of the CASR gene, results from an A to G substitution at nucleotide position 1058. The glutamic acid at codon 353 is replaced by glycine, an amino acid with similar properties. This amino acid position is highly conserved in available vertebrate species. In addition, this alteration is predicted to be deleterious by in silico analysis. Since supporting evidence is limited at this time, the clinical significance of this alteration remains unclear.